The following is an entry in ClinVar:

NM_001384140.1(PCDH15):c.903G>A (p.Thr301=)

Gene: PCDH15 (protocadherin related 15; minus strand). Cytogenetic location: 10q21.1.
Variant type: single nucleotide variant.
Coding change: c.903G>A on transcript NM_001384140.1 (MANE Select); coding-DNA position 903, G replaced by A.
Protein change: p.Thr301=; no amino-acid change (threonine 301 retained).
Molecular consequence: synonymous variant.
Genome position (GRCh38, 1-based): chr10:54,236,905, C>T on the plus strand (G>A on the coding strand, the complement: PCDH15 is on the minus strand). VCF-style: chr10-54236905-C-T. GRCh37 (hg19) VCF-style: chr10-55996665-C-T.
Other names: c.903G>A (NM_033056.3); c.918G>A, p.Thr306= (NM_001142771.2, NM_001142763.2, NM_001142769.4); c.903G>A, p.Thr301= (NM_001142772.2, NM_001354411.2, NM_001354420.2 and 7 more transcripts); c.837G>A, p.Thr279= (NM_001142773.2, NM_001354404.2, NM_001142768.2); c.792G>A, p.Thr264= (NM_001142767.2).
Identifiers: ClinVar variation 1100748 (VCV001100748.9), dbSNP rs189227500, ClinGen allele CA5506546.

ClinVar aggregate classification (germline): Likely benign. Review status: criteria provided, multiple submitters, no conflicts (2 of 4 stars). 3 submissions from 3 submitters: Likely benign (3). Last evaluated 2026-01-28.

Conditions:
PCDH15-related disorder. Also called: PCDH15-related condition; PCDH15-related disorders.

Allele frequency attached by ClinVar (database versions not stated): gnomAD 0.00004 and 0.00007; TOPMed 0.00007; gnomAD exomes 0.00014; ExAC 0.00016; 1000 Genomes Project 0.00020; 1000 Genomes Project 30x 0.00031.
gnomAD v4.1: 167 of 1,612,920 alleles (0.01%); highest among the groups gnomAD compares: South Asian, 0.085%; no homozygotes.

Submissions (3):

Labcorp Genetics (formerly Invitae), Labcorp
Classification: Likely benign. Last evaluated: 2026-01-28. Review status: criteria provided, single submitter. Criteria: Invitae Variant Classification Sherloc (09022015). Collection method: clinical testing. Allele origin: germline.

PreventionGenetics, part of Exact Sciences
Classification: Likely benign for PCDH15-related condition. Last evaluated: 2025-02-27. Review status: criteria provided, single submitter. Criteria: ACMG Guidelines, 2015. Collection method: clinical testing. Allele origin: germline.
Comment: This variant is classified as likely benign based on ACMG/AMP sequence variant interpretation guidelines (Richards et al. 2015 PMID: 25741868, with internal and published modifications).

Blueprint Genetics
Classification: Likely benign. Last evaluated: 2024-11-18. Review status: criteria provided, single submitter. Criteria: ACMG Guidelines, 2015. Collection method: clinical testing. Allele origin: germline.